The following is an entry in ClinVar:

ClinVar aggregate classification (germline): Uncertain significance. Review status: criteria provided, multiple submitters, no conflicts (2 of 4 stars). 2 submissions from 2 submitters: Uncertain significance (2). Last evaluated 2026-09-01.

Conditions:
Inborn genetic diseases. Identifiers: MedGen C0950123, MeSH D030342.

Allele frequency attached by ClinVar (database versions not stated): ExAC 0.00012; ESP Exome Variant Server 0.00015; TOPMed 0.00005; gnomAD 0.00007.

Submissions (2):

CeGaT Center for Human Genetics Tuebingen
Classification: Uncertain significance. Last evaluated: 2026-09-01. Review status: criteria provided, single submitter. Criteria: CeGaT Center For Human Genetics Tuebingen Variant Classification Criteria Version 2. Collection method: clinical testing. Allele origin: germline. Affected: yes. Observed: 1 variant allele.
Comment: TULP3: PM2, PP3

Ambry Genetics
Classification: Uncertain significance for Inborn genetic diseases. Last evaluated: 2025-12-08. Review status: criteria provided, single submitter. Criteria: Ambry Variant Classification Scheme 2023. Collection method: clinical testing. Allele origin: germline.

NM_003324.5(TULP3):c.925G>C (p.Glu309Gln)

Gene: TULP3 (TUB like protein 3; plus strand). Cytogenetic location: 12p13.33.
Variant type: single nucleotide variant.
Coding change: c.925G>C on transcript NM_003324.5 (MANE Select); coding-DNA position 925, G replaced by C.
Protein change: p.Glu309Gln; replaces glutamic acid 309 with glutamine.
Molecular consequence: missense variant.
Genome position (GRCh38, 1-based): chr12:2,937,631, G>C. VCF-style: chr12-2937631-G-C. GRCh37 (hg19) VCF-style: chr12-3046797-G-C.
Other names: c.925G>C, p.Glu309Gln (NM_001160408.2); short protein forms E309Q.
Identifiers: ClinVar variation 2599638 (VCV002599638.4), dbSNP rs150642906, ClinGen allele CA6392799.
Genomic context (GRCh38, chr12:2,937,631, plus strand): 5'-AGAATGTGGTCTCTATTTTTTTCCTGTTTCCAAGTTCTGCTTTGTTTTCCTATCTTCCAG[G>C]AAACAAACGTACTTGGATTTAAAGGTCCTAGGAAAATGTCTGTGATCATTCCTGGAATGA-3'
Protein context (NP_003315.2, residues 299-319): TRQELAAISY[Glu309Gln]TNVLGFKGPR